The following is an entry in ClinVar:

NM_138713.4(NFAT5):c.1774+7A>G

Gene: NFAT5 (nuclear factor of activated T cells 5; plus strand). Cytogenetic location: 16q22.1.
Variant type: single nucleotide variant.
Coding change: c.1774+7A>G on transcript NM_138713.4 (MANE Select); 7 bases into the intron after coding-DNA position 1774, A replaced by G.
Molecular consequence: intron variant.
Genome position (GRCh38, 1-based): chr16:69,684,977, A>G. VCF-style: chr16-69684977-A-G. GRCh37 (hg19) VCF-style: chr16-69718880-A-G.
Other names: c.1492+7A>G (NM_138714.4, NM_173214.3, NM_173215.3); c.1771+7A>G (NM_001113178.3); c.1720+7A>G (NM_006599.4); c.1099+7A>G (NM_001367709.1).
Identifiers: ClinVar variation 1498761 (VCV001498761.8), dbSNP rs2151703042, ClinGen allele CA2573152629.

ClinVar aggregate classification (germline): Uncertain significance (1 of 4 stars; one submission).

Conditions:
Immunodeficiency. Identifiers: MedGen C0021051, MONDO:0021094, HP:0002721.

Submission:

Labcorp Genetics (formerly Invitae), Labcorp
Classification: Uncertain significance for Immunodeficiency. Last evaluated: 2022-12-22. Review status: criteria provided, single submitter. Criteria: Invitae Variant Classification Sherloc (09022015). Collection method: clinical testing. Allele origin: germline.
Comment: In summary, the available evidence is currently insufficient to determine the role of this variant in disease. Therefore, it has been classified as a Variant of Uncertain Significance. Algorithms developed to predict the effect of sequence changes on RNA splicing suggest that this variant may disrupt the consensus splice site. This sequence change falls in intron 12 of the NFAT5 gene. It does not directly change the encoded amino acid sequence of the NFAT5 protein. This variant is not present in population databases (gnomAD no frequency). This variant has not been reported in the literature in individuals affected with NFAT5-related conditions. ClinVar contains an entry for this variant (Variation ID: 1498761).